The following is an entry in ClinVar:

NM_000035.4(ALDOB):c.733A>G (p.Thr245Ala)

Gene: ALDOB (aldolase, fructose-bisphosphate B; minus strand). Cytogenetic location: 9q31.1.
Variant type: single nucleotide variant.
Coding change: c.733A>G on transcript NM_000035.4 (MANE Select); coding-DNA position 733, A replaced by G.
Protein change: p.Thr245Ala; replaces threonine 245 with alanine.
Molecular consequence: missense variant.
Genome position (GRCh38, 1-based): chr9:101,425,519, T>C on the plus strand (A>G on the coding strand, the complement: ALDOB is on the minus strand). VCF-style: chr9-101425519-T-C. GRCh37 (hg19) VCF-style: chr9-104187801-T-C.
Other names: c.733A>G (NM_000035.3); short protein forms T245A.
Identifiers: ClinVar variation 1473940 (VCV001473940.6), dbSNP rs748031490, ClinGen allele CA5161490.

ClinVar aggregate classification (germline): Uncertain significance. Review status: criteria provided, multiple submitters, no conflicts (2 of 4 stars). 2 submissions from 2 submitters: Uncertain significance (2). Last evaluated 2025-04-02.

Conditions:
Hereditary fructosuria. Also called: ALDOB DEFICIENCY; ALDOLASE B DEFICIENCY; FRUCTOSE-1,6-BISPHOSPHATE ALDOLASE B DEFICIENCY; FRUCTOSE-1-PHOSPHATE ALDOLASE DEFICIENCY; FRUCTOSEMIA; Hereditary fructose intolerance. Identifiers: Orphanet 469, MedGen C0016751, MONDO:0009249, OMIM 229600, HP:0005973. Disease mechanism: loss of function.
ALDOB-related disorder. Also called: ALDOB-related condition.

Allele frequency attached by ClinVar (database versions not stated): TOPMed 0.00001; gnomAD exomes below 0.00001; ExAC 0.00001.

Submissions (2):

PreventionGenetics, part of Exact Sciences
Classification: Uncertain significance for ALDOB-related condition. Last evaluated: 2025-04-02. Review status: criteria provided, single submitter. Criteria: ACMG Guidelines, 2015. Collection method: clinical testing. Allele origin: germline.
Comment: The ALDOB c.733A>G variant is predicted to result in the amino acid substitution p.Thr245Ala. To our knowledge, this variant has not been reported in the literature. This variant is reported in 0.0054% of alleles in individuals of East Asian descent in gnomAD. At this time, the clinical significance of this variant is uncertain due to the absence of conclusive functional and genetic evidence.

Labcorp Genetics (formerly Invitae), Labcorp
Classification: Uncertain significance for Hereditary fructosuria. Last evaluated: 2022-01-17. Review status: criteria provided, single submitter. Criteria: Invitae Variant Classification Sherloc (09022015). Collection method: clinical testing. Allele origin: germline.
Comment: This sequence change replaces threonine, which is neutral and polar, with alanine, which is neutral and non-polar, at codon 245 of the ALDOB protein (p.Thr245Ala). This variant is present in population databases (rs748031490, gnomAD 0.006%). This variant has not been reported in the literature in individuals affected with ALDOB-related conditions. Algorithms developed to predict the effect of missense changes on protein structure and function (SIFT, PolyPhen-2, Align-GVGD) all suggest that this variant is likely to be tolerated. In summary, the available evidence is currently insufficient to determine the role of this variant in disease. Therefore, it has been classified as a Variant of Uncertain Significance.